The following is an entry in ClinVar:

NM_001374736.1(DST):c.5099C>T (p.Ser1700Leu)

Gene: DST (dystonin; minus strand). Cytogenetic location: 6p12.1.
Variant type: single nucleotide variant.
Coding change: c.5099C>T on transcript NM_001374736.1 (MANE Select); coding-DNA position 5099, C replaced by T.
Protein change: p.Ser1700Leu; replaces serine 1700 with leucine.
Molecular consequence: missense variant.
Genome position (GRCh38, 1-based): chr6:56,611,556, G>A on the plus strand (C>T on the coding strand, the complement: DST is on the minus strand). VCF-style: chr6-56611556-G-A. GRCh37 (hg19) VCF-style: chr6-56476354-G-A.
Other names: c.5000C>T, p.Ser1667Leu (NM_001144769.5); c.4586C>T, p.Ser1529Leu (NM_001144770.2); c.5099C>T, p.Ser1700Leu (NM_001374722.1); c.4466C>T, p.Ser1489Leu (NM_001374729.1, NM_001374730.1, NM_183380.4); c.5126C>T, p.Ser1709Leu (NM_001374734.1); c.3488C>T, p.Ser1163Leu (NM_015548.5); short protein forms S1489L, S1163L, S1709L, S1667L, S1700L, S1529L.
Identifiers: ClinVar variation 966175 (VCV000966175.9), dbSNP rs763411218, ClinGen allele CA3869803.
Genomic context (GRCh38, chr6:56,611,556, plus strand): 5'-CAACCAACATACTTGTCTCCATGTTTTGCCAAAAAAAGCTGTATAGTTTGAAGTGCTTCC[G>A]ATAATTGTTCCTTCTTGGTTGATATTTCCTCACTGGAAATCTGTAAGGTAAAGAAGGCAC-3'
Protein context (NP_001361665.1, residues 1690-1710): EEISTKKEQL[Ser1700Leu]EALQTIQLFL

ClinVar aggregate classification (germline): Uncertain significance. Review status: criteria provided, multiple submitters, no conflicts (2 of 4 stars). 2 submissions from 2 submitters: Uncertain significance (2). Last evaluated 2025-07-07.

Conditions:
Inborn genetic diseases. Identifiers: MedGen C0950123, MeSH D030342.
Hereditary sensory and autonomic neuropathy type 6. Also called: Neuropathy, hereditary sensory and autonomic, type VI; HSAN VI. Identifiers: Orphanet 314381, MedGen C3539003, MONDO:0013839, OMIM 614653.
Epidermolysis bullosa simplex 3, localized or generalized intermediate, with BP230 deficiency (EBS3). Also called: Epidermolysis bullosa simplex, autosomal recessive 2; Epidermolysis bullosa simplex due to BP230 deficiency. Identifiers: Orphanet 412181, MedGen C3809470, MONDO:0014180, OMIM 615425.

Allele frequency attached by ClinVar (database versions not stated): gnomAD 0.00001; ExAC 0.00002; gnomAD exomes 0.00002 and 0.00003; TOPMed 0.00004.
gnomAD v4.1: 28 of 1,612,772 alleles (0.0017%); highest among the groups gnomAD compares: Admixed American, 0.015%; no homozygotes.

Submissions (2):

Labcorp Genetics (formerly Invitae), Labcorp
Classification: Uncertain significance for Epidermolysis bullosa simplex 3, localized or generalized intermediate, with BP230 deficiency; Hereditary sensory and autonomic neuropathy type 6. Last evaluated: 2025-07-07. Review status: criteria provided, single submitter. Criteria: Invitae Variant Classification Sherloc (09022015). Collection method: clinical testing. Allele origin: germline.
Comment: The DST gene has multiple clinically relevant transcripts. This variant occurs in alternate transcript NM_015548.4, and corresponds to NM_001723.5:c.*3961C>T in the primary transcript. This sequence change replaces serine, which is neutral and polar, with leucine, which is neutral and non-polar, at codon 1163 of the DST protein (p.Ser1163Leu). This variant is present in population databases (rs763411218, gnomAD 0.01%). This variant has not been reported in the literature in individuals affected with DST-related conditions. ClinVar contains an entry for this variant (Variation ID: 966175). Experimental studies and prediction algorithms are not available or were not evaluated, and the functional significance of this variant is currently unknown. In summary, the available evidence is currently insufficient to determine the role of this variant in disease. Therefore, it has been classified as a Variant of Uncertain Significance.

Ambry Genetics
Classification: Uncertain significance for Inborn genetic diseases. Last evaluated: 2020-03-05. Review status: criteria provided, single submitter. Criteria: Ambry Variant Classification Scheme 2023. Collection method: clinical testing. Allele origin: germline.
Comment: The p.S1667L variant (also known as c.5000C>T), located in coding exon 37 of the DST gene, results from a C to T substitution at nucleotide position 5000. The serine at codon 1667 is replaced by leucine, an amino acid with dissimilar properties. This amino acid position is not well conserved in available vertebrate species. In addition, this alteration is predicted to be tolerated by in silico analysis. Since supporting evidence is limited at this time, the clinical significance of this alteration remains unclear.